The following is an entry in ClinVar:

ClinVar aggregate classification (germline): Uncertain significance (1 of 4 stars; one submission).

Conditions:
Paroxysmal nonkinesigenic dyskinesia. Also called: Paroxysmal non-kinesigenic dyskinesia. Identifiers: Orphanet 98810, MedGen C1869117, MONDO:0700088.

Submission:

Labcorp Genetics (formerly Invitae), Labcorp
Classification: Uncertain significance for Paroxysmal nonkinesigenic dyskinesia. Last evaluated: 2022-01-28. Review status: criteria provided, single submitter. Criteria: Invitae Variant Classification Sherloc (09022015). Collection method: clinical testing. Allele origin: germline.
Comment: This variant has not been reported in the literature in individuals affected with PNKD-related conditions. This variant is not present in population databases (gnomAD no frequency). This sequence change replaces serine, which is neutral and polar, with proline, which is neutral and non-polar, at codon 128 of the PNKD protein (p.Ser128Pro). In summary, the available evidence is currently insufficient to determine the role of this variant in disease. Therefore, it has been classified as a Variant of Uncertain Significance. Algorithms developed to predict the effect of missense changes on protein structure and function are either unavailable or do not agree on the potential impact of this missense change (SIFT: "Deleterious"; PolyPhen-2: "Possibly Damaging"; Align-GVGD: "Class C0").

NM_015488.5(PNKD):c.382T>C (p.Ser128Pro)

Genes: CATIP-AS2 (CATIP antisense RNA 2; minus strand), PNKD (PNKD metallo-beta-lactamase domain containing; plus strand). Cytogenetic location: 2q35.
Variant type: single nucleotide variant.
Coding change: c.382T>C on transcript NM_015488.5 (MANE Select); coding-DNA position 382, T replaced by C.
Protein change: p.Ser128Pro; replaces serine 128 with proline.
Molecular consequence: missense variant.
Genome position (GRCh38, 1-based): chr2:218,340,058, T>C. VCF-style: chr2-218340058-T-C. GRCh37 (hg19) VCF-style: chr2-219204781-T-C.
Other names: c.310T>C, p.Ser104Pro (NM_022572.5); short protein forms S104P, S128P.
Identifiers: ClinVar variation 1931004 (VCV001931004.5), dbSNP rs2469462917, ClinGen allele CA350538455.